The following is an entry in ClinVar:

ClinVar aggregate classification (germline): Uncertain significance. Review status: criteria provided, multiple submitters, no conflicts (2 of 4 stars). 2 submissions from 2 submitters: Uncertain significance (2). Last evaluated 2026-01-29.

Conditions:
Tuberous sclerosis 2 (TSC2). Identifiers: Orphanet 805, MedGen C1860707, MONDO:0013199, OMIM 613254.
Hereditary cancer-predisposing syndrome. Also called: Neoplastic Syndromes, Hereditary; Hereditary Cancer Syndrome; Hereditary neoplastic syndrome; Tumor predisposition. Identifiers: Orphanet 140162, MedGen C0027672, MeSH D009386, MONDO:0015356.

Submissions (2):

Labcorp Genetics (formerly Invitae), Labcorp
Classification: Uncertain significance for Tuberous sclerosis 2. Last evaluated: 2026-01-29. Review status: criteria provided, single submitter. Criteria: Invitae Variant Classification Sherloc (09022015). Collection method: clinical testing. Allele origin: germline.
Comment: This sequence change falls in intron 37 of the TSC2 gene. It does not directly change the encoded amino acid sequence of the TSC2 protein. It affects a nucleotide within the consensus splice site. This variant is not present in population databases (gnomAD no frequency). This variant has not been reported in the literature in individuals affected with TSC2-related conditions. ClinVar contains an entry for this variant (Variation ID: 641528). Variants that disrupt the consensus splice site are a relatively common cause of aberrant splicing (PMID: 17576681, 9536098). In summary, the available evidence is currently insufficient to determine the role of this variant in disease. Therefore, it has been classified as a Variant of Uncertain Significance.

Sema4
Classification: Uncertain significance for Hereditary cancer-predisposing syndrome. Last evaluated: 2022-03-10. Review status: criteria provided, single submitter. Criteria: Sema4 Curation Guidelines. Collection method: curation. Allele origin: germline.
Comment: The TSC2 c.4849+6_4849+27del variant has not been reported in the literature to our knowledge. It was not observed in the large and broad cohorts of the Genome Aggregation Database (PMID: 32461654). This variant has been reported in ClinVar (Variation ID 641528). Algorithms developed to predict the effect of sequence changes on RNA splicing suggest that this variant is not likely to affect RNA splicing, but this prediction has not been confirmed by published transcriptional studies. The evidence is insufficient to meet ACMG/AMP criteria for classifying the variant as benign or pathogenic. Thus, the clinical significance of this variant is currently uncertain.

Literature cited by the submitters: PubMed 17576681 (cited by Labcorp Genetics (formerly Invitae), Labcorp); PubMed 9536098 (cited by Labcorp Genetics (formerly Invitae), Labcorp).

NM_000548.5(TSC2):c.4849+6_4849+27del

Gene: TSC2 (TSC complex subunit 2; plus strand). Cytogenetic location: 16p13.3.
Variant type: Deletion.
Coding change: c.4849+6_4849+27del on transcript NM_000548.5 (MANE Select); bases 6 to 27 of the intron after coding-DNA position 4849, 22 bases deleted (GCCTGGCGCCTACCCGCTCCTG).
Molecular consequence: intron variant.
Genome position (GRCh38, 1-based): chr16:2,086,385-2,086,406, GCCTGGCGCCTACCCGCTCCTG deleted; deleting any 22 consecutive bases within chr16:2,086,384-2,086,406 gives the same sequence; the c. name uses the placement nearest the transcript's 3' end. VCF-style (leftmost placement, unchanged base first): chr16-2086383-CGGCCTGGCGCCTACCCGCTCCT-C. GRCh37 (hg19) VCF-style: chr16-2136384-CGGCCTGGCGCCTACCCGCTCCT-C.
Other names: c.4849+6_4849+27delGCCTGGCGCCTACCCGCTCCTG (NM_000548.3); c.4780+6_4780+27del (NM_001114382.3); c.4720+6_4720+27del (NM_021055.3, NM_001370405.1); c.4651+6_4651+27del (NM_001363528.2); c.4717+6_4717+27del (NM_001370404.1); c.4648+6_4648+27del (NM_001077183.3); c.4540+6_4540+27del (NM_001318827.2); c.4117+6_4117+27del (NM_001318831.2); and 2 more.
Identifiers: ClinVar variation 641528 (VCV000641528.12), dbSNP rs1596439736, ClinGen allele CA915946313.